The following is an entry in ClinVar:

NM_014141.6(CNTNAP2):c.2256-276T>C

Gene: CNTNAP2 (contactin associated protein 2; plus strand). Cytogenetic location: 7q35.
Variant type: single nucleotide variant.
Coding change: c.2256-276T>C on transcript NM_014141.6 (MANE Select); 276 bases into the intron before coding-DNA position 2256, T replaced by C.
Molecular consequence: intron variant.
Genome position (GRCh38, 1-based): chr7:147,977,586, T>C. VCF-style: chr7-147977586-T-C. GRCh37 (hg19) VCF-style: chr7-147674678-T-C.
Identifiers: ClinVar variation 668649 (VCV000668649.1), dbSNP rs10243319, ClinGen allele CA12575198.

ClinVar aggregate classification (germline): Benign (1 of 4 stars; one submission).

Allele frequency attached by ClinVar (database versions not stated): gnomAD 0.46193 and 0.46372; TOPMed 0.47318; 1000 Genomes Project 30x 0.53826; 1000 Genomes Project 0.54153.
gnomAD v4.1: 70,263 of 151,952 alleles (46%); highest among the groups gnomAD compares: East Asian, 75%; 16,902 homozygotes.

Submission:

GeneDx
Classification: Benign. Last evaluated: 2018-06-18. Review status: criteria provided, single submitter. Criteria: GeneDx Variant Classification (06012015). Collection method: clinical testing. Allele origin: germline. Affected: yes.
Comment: This variant is considered likely benign or benign based on one or more of the following criteria: it is a conservative change, it occurs at a poorly conserved position in the protein, it is predicted to be benign by multiple in silico algorithms, and/or has population frequency not consistent with disease.